The following is an entry in ClinVar:

ClinVar aggregate classification (germline): Uncertain significance (1 of 4 stars; one submission).

Conditions:
Cardiovascular phenotype. Identifiers: MedGen CN230736.

Submission:

Ambry Genetics
Classification: Uncertain significance for Cardiovascular phenotype. Last evaluated: 2025-05-24. Review status: criteria provided, single submitter. Criteria: Ambry Variant Classification Scheme 2023. Collection method: clinical testing. Allele origin: germline.
Comment: The p.V622L variant (also known as c.1864G>C), located in coding exon 11 of the SOS2 gene, results from a G to C substitution at nucleotide position 1864. The valine at codon 622 is replaced by leucine, an amino acid with highly similar properties. This amino acid position is conserved. In addition, the in silico prediction for this alteration is inconclusive. Based on the available evidence, the clinical significance of this variant remains unclear.

NM_006939.4(SOS2):c.1864G>C (p.Val622Leu)

Gene: SOS2 (SOS Ras/Rho guanine nucleotide exchange factor 2; minus strand). Cytogenetic location: 14q21.3.
Variant type: single nucleotide variant.
Coding change: c.1864G>C on transcript NM_006939.4 (MANE Select); coding-DNA position 1864, G replaced by C.
Protein change: p.Val622Leu; replaces valine 622 with leucine.
Molecular consequence: missense variant.
Genome position (GRCh38, 1-based): chr14:50,158,635, C>G on the plus strand (G>C on the coding strand, the complement: SOS2 is on the minus strand). VCF-style: chr14-50158635-C-G. GRCh37 (hg19) VCF-style: chr14-50625353-C-G.
Other names: c.1765G>C, p.Val589Leu (NM_001411020.1); short protein forms V622L, V589L.
Identifiers: ClinVar variation 3959870 (VCV003959870.1).
Genomic context (GRCh38, chr14:50,158,635, plus strand): 5'-GTAAGCTCAGCAATTCCTGTGGTTTACAAAATGAACGATATGTGGTAAGAAAAGTACGAA[C>G]AAAATTGGGATCTGAAAAGGCAGAGCATAAAATAGGTTTCATGTTTAATGTATTCAGTTT-3'
Protein context (NP_008870.2, residues 612-632): TYHMYADPNF[Val622Leu]RTFLTTYRSF